The following is an entry in ClinVar:

NM_020631.6(PLEKHG5):c.3011+3G>A

Gene: PLEKHG5 (pleckstrin homology and RhoGEF domain containing G5; minus strand). Cytogenetic location: 1p36.31.
Variant type: single nucleotide variant.
Coding change: c.3011+3G>A on transcript NM_020631.6 (MANE Select); 3 bases into the intron after coding-DNA position 3011, G replaced by A.
Molecular consequence: intron variant.
Genome position (GRCh38, 1-based): chr1:6,467,822, C>T on the plus strand (G>A on the coding strand, the complement: PLEKHG5 is on the minus strand). VCF-style: chr1-6467822-C-T. GRCh37 (hg19) VCF-style: chr1-6527882-C-T.
Other names: c.3011+3G>A (NM_198681.4, NM_001042664.2, NM_001042665.2 and 1 more transcripts); c.3122+3G>A (NM_001042663.3, NM_001265592.2); c.*18+3G>A (NM_001265594.3); c.3218+3G>A (NM_001265593.2).
Identifiers: ClinVar variation 1061728 (VCV001061728.6), dbSNP rs929173295, ClinGen allele CA17233110.

ClinVar aggregate classification (germline): Conflicting classifications of pathogenicity. Review status: criteria provided, conflicting classifications (1 of 4 stars). 3 submissions from 3 submitters: Uncertain significance (2); Likely benign (1). Last evaluated 2026-04-14.

Conditions:
Charcot-Marie-Tooth disease recessive intermediate C. Also called: CHARCOT-MARIE-TOOTH NEUROPATHY, RECESSIVE INTERMEDIATE C. Identifiers: Orphanet 369867, MedGen C3809309, MONDO:0014154, OMIM 615376.
Neuronopathy, distal hereditary motor, autosomal recessive 4. Also called: Autosomal recessive lower motor neuron disease with childhood onset; NEUROPATHY, DISTAL HEREDITARY MOTOR, AUTOSOMAL RECESSIVE 4. Identifiers: Orphanet 206580, MedGen C1970211, MONDO:0012608, OMIM 611067.
PLEKHG5-related disorder. Also called: PLEKHG5-related condition.

Allele frequency attached by ClinVar (database versions not stated): gnomAD exomes below 0.00001; gnomAD 0.00001; TOPMed 0.00001.
gnomAD v4.1: 11 of 1,613,040 alleles (0.00068%); highest among the groups gnomAD compares: East Asian, 0.0045%; no homozygotes.

Submissions (3):

Women's Health and Genetics/Laboratory Corporation of America, LabCorp
Classification: Uncertain significance. Last evaluated: 2026-04-14. Review status: criteria provided, single submitter. Criteria: LabCorp Variant Classification Summary - May 2015. Collection method: clinical testing. Allele origin: germline.

PreventionGenetics, part of Exact Sciences
Classification: Likely benign for PLEKHG5-related condition. Last evaluated: 2025-10-21. Review status: criteria provided, single submitter. Criteria: ACMG Guidelines, 2015. Collection method: clinical testing. Allele origin: germline.
Comment: This variant is classified as likely benign based on ACMG/AMP sequence variant interpretation guidelines (Richards et al. 2015 PMID: 25741868, with internal and published modifications).

Labcorp Genetics (formerly Invitae), Labcorp
Classification: Uncertain significance for Neuronopathy, distal hereditary motor, autosomal recessive 4; Charcot-Marie-Tooth disease recessive intermediate C. Last evaluated: 2020-10-19. Review status: criteria provided, single submitter. Criteria: Invitae Variant Classification Sherloc (09022015). Collection method: clinical testing. Allele origin: germline.
Comment: This sequence change falls in intron 20 of the PLEKHG5 gene. It does not directly change the encoded amino acid sequence of the PLEKHG5 protein, but it affects a nucleotide within the consensus splice site of the intron. This variant is not present in population databases (ExAC no frequency). This variant has not been reported in the literature in individuals with PLEKHG5-related conditions. Nucleotide substitutions within the consensus splice site are a relatively common cause of aberrant splicing (PMID: 17576681, 9536098). Algorithms developed to predict the effect of sequence changes on RNA splicing suggest that this variant is not likely to affect RNA splicing, but this prediction has not been confirmed by published transcriptional studies. In summary, the available evidence is currently insufficient to determine the role of this variant in disease. Therefore, it has been classified as a Variant of Uncertain Significance.

Literature cited by the submitters: PubMed 17576681 (cited by Labcorp Genetics (formerly Invitae), Labcorp); PubMed 9536098 (cited by Labcorp Genetics (formerly Invitae), Labcorp).